The following is an entry in ClinVar:

NM_013382.7(POMT2):c.658C>T (p.Pro220Ser)

Genes: POMT2 (protein O-mannosyltransferase 2; minus strand), LOC130056175 (ATAC-STARR-seq lymphoblastoid silent region 5968; plus strand). Cytogenetic location: 14q24.3.
Variant type: single nucleotide variant.
Coding change: c.658C>T on transcript NM_013382.7 (MANE Select); coding-DNA position 658, C replaced by T.
Protein change: p.Pro220Ser; replaces proline 220 with serine.
Molecular consequence: missense variant.
Genome position (GRCh38, 1-based): chr14:77,301,248, G>A on the plus strand (C>T on the coding strand, the complement: POMT2 is on the minus strand). VCF-style: chr14-77301248-G-A. GRCh37 (hg19) VCF-style: chr14-77767591-G-A.
Other names: short protein forms P220S.
Identifiers: ClinVar variation 577476 (VCV000577476.9), dbSNP rs771201662, ClinGen allele CA390520404.

ClinVar aggregate classification (germline): Uncertain significance (1 of 4 stars; one submission).

Conditions:
Muscular dystrophy-dystroglycanopathy (congenital with impaired intellectual development), type B, 2. Also called: Muscular dystrophy-dystroglycanopathy (congenital with intellectual disability), type B2; MUSCULAR DYSTROPHY, CONGENITAL, POMT2-RELATED. Identifiers: MedGen C3150416, MONDO:0013160, OMIM 613156.
Autosomal recessive limb-girdle muscular dystrophy type 2N. Also called: Muscular dystrophy-dystroglycanopathy (limb-girdle), type C, 2; MUSCULAR DYSTROPHY-DYSTROGLYCANOPATHY, LIMB-GIRDLE, POMT2-RELATED. Identifiers: Orphanet 206559, MedGen C3150418, MONDO:0013162, OMIM 613158.
Muscular dystrophy-dystroglycanopathy (congenital with brain and eye anomalies), type A2. Also called: MUSCULAR DYSTROPHY-DYSTROGLYCANOPATHY (CONGENITAL WITH BRAIN AND EYE ANOMALIES), TYPE A, 2; WALKER-WARBURG SYNDROME OR MUSCLE-EYE-BRAIN DISEASE, POMT2-RELATED. Identifiers: Orphanet 588, Orphanet 899, MedGen C3150411, MONDO:0013154, OMIM 613150.

gnomAD v4.1: 1 of 1,614,146 alleles (0.000062%); highest among the groups gnomAD compares: Non-Finnish European, 0.000085%; no homozygotes.

Submission:

Labcorp Genetics (formerly Invitae), Labcorp
Classification: Uncertain significance for Muscular dystrophy-dystroglycanopathy (congenital with impaired intellectual development), type B, 2; Muscular dystrophy-dystroglycanopathy (congenital with brain and eye anomalies), type A2; Autosomal recessive limb-girdle muscular dystrophy type 2N. Last evaluated: 2021-05-03. Review status: criteria provided, single submitter. Criteria: Invitae Variant Classification Sherloc (09022015). Collection method: clinical testing. Allele origin: germline.
Comment: In summary, the available evidence is currently insufficient to determine the role of this variant in disease. Therefore, it has been classified as a Variant of Uncertain Significance. Algorithms developed to predict the effect of sequence changes on RNA splicing suggest that this variant may create or strengthen a splice site, but this prediction has not been confirmed by published transcriptional studies. Algorithms developed to predict the effect of missense changes on protein structure and function (SIFT, PolyPhen-2, Align-GVGD) all suggest that this variant is likely to be tolerated, but these predictions have not been confirmed by published functional studies and their clinical significance is uncertain. This variant has not been reported in the literature in individuals with POMT2-related disease. This variant is not present in population databases (ExAC no frequency). This sequence change replaces proline with serine at codon 220 of the POMT2 protein (p.Pro220Ser). The proline residue is highly conserved and there is a moderate physicochemical difference between proline and serine.